The following is an entry in ClinVar:

ClinVar aggregate classification (germline): Uncertain significance. Review status: criteria provided, multiple submitters, no conflicts (2 of 4 stars). 2 submissions from 2 submitters: Uncertain significance (2). Last evaluated 2023-02-01.

Conditions:
Hereditary cancer-predisposing syndrome. Also called: Neoplastic Syndromes, Hereditary; Hereditary Cancer Syndrome; Hereditary neoplastic syndrome; Tumor predisposition. Identifiers: Orphanet 140162, MedGen C0027672, MeSH D009386, MONDO:0015356.
Peutz-Jeghers syndrome (PJS). Also called: Peutz-Jeghers polyposis; Periorificial lentiginosis syndrome; POLYPOSIS, HAMARTOMATOUS INTESTINAL; POLYPS-AND-SPOTS SYNDROME. Identifiers: Orphanet 2869, MedGen C0031269, MeSH D010580, MONDO:0008280, OMIM 175200.

Submissions (2):

Labcorp Genetics (formerly Invitae), Labcorp
Classification: Uncertain significance for Peutz-Jeghers syndrome. Last evaluated: 2023-02-01. Review status: criteria provided, single submitter. Criteria: Invitae Variant Classification Sherloc (09022015). Collection method: clinical testing. Allele origin: germline.
Comment: This sequence change replaces methionine, which is neutral and non-polar, with valine, which is neutral and non-polar, at codon 129 of the STK11 protein (p.Met129Val). This variant is not present in population databases (gnomAD no frequency). This variant has not been reported in the literature in individuals affected with STK11-related conditions. ClinVar contains an entry for this variant (Variation ID: 824311). Advanced modeling of protein sequence and biophysical properties (such as structural, functional, and spatial information, amino acid conservation, physicochemical variation, residue mobility, and thermodynamic stability) performed at Invitae indicates that this missense variant is expected to disrupt STK11 protein function. Algorithms developed to predict the effect of sequence changes on RNA splicing suggest that this variant may disrupt the consensus splice site. In summary, the available evidence is currently insufficient to determine the role of this variant in disease. Therefore, it has been classified as a Variant of Uncertain Significance.

Ambry Genetics
Classification: Uncertain significance for Hereditary cancer-predisposing syndrome. Last evaluated: 2018-12-12. Review status: criteria provided, single submitter. Criteria: Ambry Variant Classification Scheme 2023. Collection method: clinical testing. Allele origin: germline.
Comment: The p.M129V variant (also known as c.385A>G), located in coding exon 3 of the STK11 gene, results from an A to G substitution at nucleotide position 385. The methionine at codon 129 is replaced by valine, an amino acid with highly similar properties. This amino acid position is highly conserved in available vertebrate species. In addition, this alteration is predicted to be deleterious by in silico analysis. Since supporting evidence is limited at this time, the clinical significance of this alteration remains unclear.

NM_000455.5(STK11):c.385A>G (p.Met129Val)

Gene: STK11 (serine/threonine kinase 11; plus strand). Cytogenetic location: 19p13.3.
Variant type: single nucleotide variant.
Coding change: c.385A>G on transcript NM_000455.5 (MANE Select); coding-DNA position 385, A replaced by G.
Protein change: p.Met129Val; replaces methionine 129 with valine.
Molecular consequence: missense variant.
Genome position (GRCh38, 1-based): chr19:1,219,334, A>G. VCF-style: chr19-1219334-A-G. GRCh37 (hg19) VCF-style: chr19-1219333-A-G.
Other names: short protein forms M129V.
Identifiers: ClinVar variation 824311 (VCV000824311.7), dbSNP rs1599925301, ClinGen allele CA402948112.